The following is an entry in ClinVar:

ClinVar aggregate classification (germline): Uncertain significance (1 of 4 stars; one submission).

Conditions:
RYR1-related disorder. Also called: RYR1-related condition; RYR1-related disorders. Identifiers: MedGen CN239331.

Submission:

Labcorp Genetics (formerly Invitae), Labcorp
Classification: Uncertain significance for RYR1-related disorder. Last evaluated: 2025-07-31. Review status: criteria provided, single submitter. Criteria: Invitae Variant Classification Sherloc (09022015). Collection method: clinical testing. Allele origin: germline.
Comment: This sequence change replaces histidine, which is basic and polar, with glutamine, which is neutral and polar, at codon 4887 of the RYR1 protein (p.His4887Gln). This variant is not present in population databases (gnomAD no frequency). This variant has not been reported in the literature in individuals affected with RYR1-related conditions. Invitae Evidence Modeling of protein sequence and biophysical properties (such as structural, functional, and spatial information, amino acid conservation, physicochemical variation, residue mobility, and thermodynamic stability) indicates that this missense variant is expected to disrupt RYR1 protein function with a positive predictive value of 80%. Algorithms developed to predict the effect of sequence changes on RNA splicing suggest that this variant may create or strengthen a splice site. In summary, the available evidence is currently insufficient to determine the role of this variant in disease. Therefore, it has been classified as a Variant of Uncertain Significance.

NM_000540.3(RYR1):c.14661C>G (p.His4887Gln)

Gene: RYR1 (ryanodine receptor 1; plus strand). Cytogenetic location: 19q13.2.
Variant type: single nucleotide variant.
Coding change: c.14661C>G on transcript NM_000540.3 (MANE Select); coding-DNA position 14661, C replaced by G.
Protein change: p.His4887Gln; replaces histidine 4887 with glutamine.
Molecular consequence: missense variant.
Genome position (GRCh38, 1-based): chr19:38,584,957, C>G. VCF-style: chr19-38584957-C-G. GRCh37 (hg19) VCF-style: chr19-39075597-C-G.
Other names: c.14646C>G, p.His4882Gln (NM_001042723.2); short protein forms H4882Q, H4887Q.
Identifiers: ClinVar variation 4802140 (VCV004802140.1).